The following is an entry in ClinVar:

ClinVar aggregate classification (germline): Uncertain significance (1 of 4 stars; one submission).

Conditions:
Retinoblastoma (RB1). Also called: RETINOBLASTOMA, SOMATIC. Identifiers: Orphanet 790, MedGen C0035335, MeSH D012175, MONDO:0008380, OMIM 180200, HP:0009919. Disease mechanism: loss of function. Inheritance: Both sporadic and heritable forms are tested..

Submission:

Labcorp Genetics (formerly Invitae), Labcorp
Classification: Uncertain significance for Retinoblastoma. Last evaluated: 2024-08-31. Review status: criteria provided, single submitter. Criteria: Invitae Variant Classification Sherloc (09022015). Collection method: clinical testing. Allele origin: germline.
Comment: This variant occurs in a non-coding region of the RB1 gene. It does not change the encoded amino acid sequence of the RB1 protein. This variant is present in population databases (no rsID available, gnomAD 0.007%). This variant has not been reported in the literature in individuals affected with RB1-related conditions. Experimental studies and prediction algorithms are not available or were not evaluated, and the functional significance of this variant is currently unknown. In summary, the available evidence is currently insufficient to determine the role of this variant in disease. Therefore, it has been classified as a Variant of Uncertain Significance.

NC_000013.11:g.48303683C>T

Genes: RB1 (RB transcriptional corepressor 1; plus strand), RB1-DT (RB1 divergent transcript; minus strand). Cytogenetic location: 13q14.2.
Variant type: single nucleotide variant.
Molecular consequence: non-coding transcript variant (on NR_046414.2).
Genome position: GRCh38 VCF-style: chr13-48303683-C-T. GRCh37 (hg19) VCF-style: chr13-48877819-C-T.
Identifiers: ClinVar variation 3664022 (VCV003664022.2).